The following is an entry in ClinVar:

ClinVar aggregate classification (germline): Uncertain significance. Review status: criteria provided, multiple submitters, no conflicts (2 of 4 stars). 2 submissions from 2 submitters: Uncertain significance (2). Last evaluated 2023-05-23.

Conditions:
Biotin-responsive basal ganglia disease (BTBGD). Also called: Thiamine Transporter-2 Deficiency; thiamine-responsive encephalopathy; Thiamine metabolism dysfunction syndrome 2 (biotin- or thiamine-responsive encephalopathy type 2); Thiamine metabolism dysfunction syndrome type 2; THIAMINE METABOLISM DYSFUNCTION SYNDROME 2 (BIOTIN- AND THIAMINE-RESPONSIVE TYPE). Identifiers: Orphanet 199348, Orphanet 65284, MedGen C1843807, MONDO:0011841, OMIM 607483.

Allele frequency attached by ClinVar (database versions not stated): ExAC 0.00002; gnomAD 0.00002 and 0.00003; gnomAD exomes 0.00002; 1000 Genomes Project 30x 0.00016; 1000 Genomes Project 0.00020.
gnomAD v4.1: 56 of 1,614,044 alleles (0.0035%); highest among the groups gnomAD compares: East Asian, 0.089%; no homozygotes.

Submissions (2):

GeneDx
Classification: Uncertain significance. Last evaluated: 2023-05-23. Review status: criteria provided, single submitter. Criteria: GeneDx Variant Classification Process June 2021. Collection method: clinical testing. Allele origin: germline. Affected: yes.
Comment: In silico analysis supports that this missense variant does not alter protein structure/function; This variant is associated with the following publications: (PMID: 32034746, 34276785)

Labcorp Genetics (formerly Invitae), Labcorp
Classification: Uncertain significance for Biotin-responsive basal ganglia disease. Last evaluated: 2022-08-09. Review status: criteria provided, single submitter. Criteria: Invitae Variant Classification Sherloc (09022015). Collection method: clinical testing. Allele origin: germline.
Comment: This sequence change replaces alanine, which is neutral and non-polar, with threonine, which is neutral and polar, at codon 150 of the SLC19A3 protein (p.Ala150Thr). This variant is present in population databases (rs117013375, gnomAD 0.02%). This missense change has been observed in individual(s) with clinical features of biotin-responsive basal ganglia disease (PMID: 32034746). ClinVar contains an entry for this variant (Variation ID: 1064368). Algorithms developed to predict the effect of missense changes on protein structure and function are either unavailable or do not agree on the potential impact of this missense change (SIFT: "Tolerated"; PolyPhen-2: "Possibly Damaging"; Align-GVGD: "Class C0"). In summary, the available evidence is currently insufficient to determine the role of this variant in disease. Therefore, it has been classified as a Variant of Uncertain Significance.

Literature cited by the submitters: PubMed 32034746 (cited by Labcorp Genetics (formerly Invitae), Labcorp).

NM_025243.4(SLC19A3):c.448G>A (p.Ala150Thr)

Gene: SLC19A3 (solute carrier family 19 member 3; minus strand). Cytogenetic location: 2q36.3.
Variant type: single nucleotide variant.
Coding change: c.448G>A on transcript NM_025243.4 (MANE Select); coding-DNA position 448, G replaced by A.
Protein change: p.Ala150Thr; replaces alanine 150 with threonine.
Molecular consequence: missense variant.
Genome position (GRCh38, 1-based): chr2:227,699,267, C>T on the plus strand (G>A on the coding strand, the complement: SLC19A3 is on the minus strand). VCF-style: chr2-227699267-C-T. GRCh37 (hg19) VCF-style: chr2-228563983-C-T.
Other names: c.448G>A, p.Ala150Thr (NM_001371411.1, NM_001371412.1); c.436G>A, p.Ala146Thr (NM_001371413.1, NM_001371414.1); c.448G>A (NM_025243.3); short protein forms A146T, A150T.
Identifiers: ClinVar variation 1064368 (VCV001064368.7), dbSNP rs117013375, ClinGen allele CA2149293.